The following is an entry in ClinVar:

NM_014159.7(SETD2):c.7142C>A (p.Pro2381His)

Gene: SETD2 (SET domain containing 2, histone lysine methyltransferase; minus strand). Cytogenetic location: 3p21.31.
Variant type: single nucleotide variant.
Coding change: c.7142C>A on transcript NM_014159.7 (MANE Select); coding-DNA position 7142, C replaced by A.
Protein change: p.Pro2381His; replaces proline 2381 with histidine.
Molecular consequence: missense variant. On other transcripts: non-coding transcript variant (1).
Genome position (GRCh38, 1-based): chr3:47,042,657, G>T on the plus strand (C>A on the coding strand, the complement: SETD2 is on the minus strand). VCF-style: chr3-47042657-G-T. GRCh37 (hg19) VCF-style: chr3-47084147-G-T.
Other names: c.7010C>A, p.Pro2337His (NM_001349370.3); short protein forms P2337H, P2381H.
Identifiers: ClinVar variation 936038 (VCV000936038.6), dbSNP rs2039334411, ClinGen allele CA352514394.

ClinVar aggregate classification (germline): Uncertain significance (1 of 4 stars; one submission).

Conditions:
Luscan-Lumish syndrome. Identifiers: Orphanet 597738, MedGen C4085873, MONDO:0014791, OMIM 616831.

gnomAD v4.1: 2 of 1,612,116 alleles (0.00012%); no homozygotes.

Submission:

Labcorp Genetics (formerly Invitae), Labcorp
Classification: Uncertain significance for Luscan-Lumish syndrome. Last evaluated: 2019-06-24. Review status: criteria provided, single submitter. Criteria: Invitae Variant Classification Sherloc (09022015). Collection method: clinical testing. Allele origin: germline.
Comment: This sequence change replaces proline with histidine at codon 2381 of the SETD2 protein (p.Pro2381His). The proline residue is highly conserved and there is a moderate physicochemical difference between proline and histidine. This variant is not present in population databases (ExAC no frequency). This variant has not been reported in the literature in individuals with SETD2-related conditions. Algorithms developed to predict the effect of missense changes on protein structure and function (SIFT, PolyPhen-2, Align-GVGD) all suggest that this variant is likely to be disruptive, but these predictions have not been confirmed by published functional studies and their clinical significance is uncertain. In summary, the available evidence is currently insufficient to determine the role of this variant in disease. Therefore, it has been classified as a Variant of Uncertain Significance.